The following is an entry in ClinVar:

ClinVar aggregate classification (germline): Uncertain significance. Review status: criteria provided, multiple submitters, no conflicts (2 of 4 stars). 2 submissions from 2 submitters: Uncertain significance (2). Last evaluated 2025-07-24.

Conditions:
Hereditary cancer-predisposing syndrome. Also called: Tumor predisposition; Hereditary Cancer Syndrome; Neoplastic Syndromes, Hereditary; Hereditary neoplastic syndrome. Identifiers: Orphanet 140162, MedGen C0027672, MeSH D009386, MONDO:0015356.
Hereditary nonpolyposis colorectal neoplasms. Identifiers: MedGen C0009405, MeSH D003123.

Submissions (2):

Ambry Genetics
Classification: Uncertain significance for Hereditary cancer-predisposing syndrome. Last evaluated: 2025-07-24. Review status: criteria provided, single submitter. Criteria: Ambry Variant Classification Scheme 2023. Collection method: clinical testing. Allele origin: germline.
Comment: The p.S851R variant (also known as c.2553C>G), located in coding exon 4 of the MSH6 gene, results from a C to G substitution at nucleotide position 2553. The serine at codon 851 is replaced by arginine, an amino acid with dissimilar properties. This amino acid position is highly conserved in available vertebrate species. In addition, this alteration is predicted to be deleterious by in silico analysis. Based on the available evidence, the clinical significance of this variant remains unclear.

Labcorp Genetics (formerly Invitae), Labcorp
Classification: Uncertain significance for Hereditary nonpolyposis colorectal neoplasms. Last evaluated: 2025-03-05. Review status: criteria provided, single submitter. Criteria: Invitae Variant Classification Sherloc (09022015). Collection method: clinical testing. Allele origin: germline.
Comment: This sequence change replaces serine, which is neutral and polar, with arginine, which is basic and polar, at codon 851 of the MSH6 protein (p.Ser851Arg). This variant is not present in population databases (gnomAD no frequency). This variant has not been reported in the literature in individuals affected with MSH6-related conditions. ClinVar contains an entry for this variant (Variation ID: 1792975). Invitae Evidence Modeling of protein sequence and biophysical properties (such as structural, functional, and spatial information, amino acid conservation, physicochemical variation, residue mobility, and thermodynamic stability) has been performed for this missense variant. However, the output from this modeling did not meet the statistical confidence thresholds required to predict the impact of this variant on MSH6 protein function. In summary, the available evidence is currently insufficient to determine the role of this variant in disease. Therefore, it has been classified as a Variant of Uncertain Significance.

NM_000179.3(MSH6):c.2553C>G (p.Ser851Arg)

Gene: MSH6 (mutS homolog 6; plus strand). Cytogenetic location: 2p16.3.
Variant type: single nucleotide variant.
Coding change: c.2553C>G on transcript NM_000179.3 (MANE Select); coding-DNA position 2553, C replaced by G.
Protein change: p.Ser851Arg; replaces serine 851 with arginine.
Molecular consequence: missense variant.
Genome position (GRCh38, 1-based): chr2:47,800,536, C>G. VCF-style: chr2-47800536-C-G. GRCh37 (hg19) VCF-style: chr2-48027675-C-G.
Other names: c.2163C>G, p.Ser721Arg (NM_001281492.2); c.1647C>G, p.Ser549Arg (NM_001281493.2, NM_001281494.2, NM_001406811.1 and 6 more transcripts); c.2649C>G, p.Ser883Arg (NM_001406795.1, NM_001406802.1); c.2553C>G, p.Ser851Arg (NM_001406796.1, NM_001406798.1, NM_001406800.1 and 2 more transcripts); c.2256C>G, p.Ser752Arg (NM_001406797.1, NM_001406801.1, NM_001406805.1 and 10 more transcripts); c.2028C>G, p.Ser676Arg (NM_001406799.1, NM_001406806.1, NM_001406807.1); c.2475C>G, p.Ser825Arg (NM_001406804.1); c.2559C>G, p.Ser853Arg (NM_001406813.1); and 1 more; short protein forms S676R, S549R, S752R, S795R, S883R, S721R, S825R, S853R.
Identifiers: ClinVar variation 1792975 (VCV001792975.4), dbSNP rs2530679392, ClinGen allele CA346754580.